The following is an entry in ClinVar:

NM_025132.4(WDR19):c.1810G>C (p.Val604Leu)

Gene: WDR19 (WD repeat domain 19; plus strand). Cytogenetic location: 4p14.
Variant type: single nucleotide variant.
Coding change: c.1810G>C on transcript NM_025132.4 (MANE Select); coding-DNA position 1810, G replaced by C.
Protein change: p.Val604Leu; replaces valine 604 with leucine.
Molecular consequence: missense variant.
Genome position (GRCh38, 1-based): chr4:39,228,518, G>C. VCF-style: chr4-39228518-G-C. GRCh37 (hg19) VCF-style: chr4-39230138-G-C.
Other names: c.1330G>C, p.Val444Leu (NM_001317924.2); short protein forms V444L, V604L.
Identifiers: ClinVar variation 954577 (VCV000954577.9), dbSNP rs1245108212, ClinGen allele CA356632968.

ClinVar aggregate classification (germline): Uncertain significance (1 of 4 stars; one submission).

Conditions:
Asphyxiating thoracic dystrophy 5 (SRTD5). Also called: SHORT-RIB THORACIC DYSPLASIA 5 WITH OR WITHOUT POLYDACTYLY; SHORT-RIB THORACIC DYSPLASIA 5 WITHOUT POLYDACTYLY. Identifiers: Orphanet 474, MedGen C3280598, MONDO:0013717, OMIM 614376.
Senior-Loken syndrome 8 (SLSN8). Identifiers: Orphanet 3156, MedGen C4225376, MONDO:0014579, OMIM 616307.

Allele frequency attached by ClinVar (database versions not stated): gnomAD exomes below 0.00001; gnomAD 0.00001; TOPMed 0.00001.
gnomAD v4.1: 5 of 1,613,774 alleles (0.00031%); highest among the groups gnomAD compares: African/African-American, 0.0013%; no homozygotes.

Submission:

Labcorp Genetics (formerly Invitae), Labcorp
Classification: Uncertain significance for Senior-Loken syndrome 8; Asphyxiating thoracic dystrophy 5. Last evaluated: 2022-03-29. Review status: criteria provided, single submitter. Criteria: Invitae Variant Classification Sherloc (09022015). Collection method: clinical testing. Allele origin: germline.
Comment: This sequence change replaces valine, which is neutral and non-polar, with leucine, which is neutral and non-polar, at codon 604 of the WDR19 protein (p.Val604Leu). The frequency data for this variant in the population databases is considered unreliable, as metrics indicate poor data quality at this position in the gnomAD database. This variant has not been reported in the literature in individuals affected with WDR19-related conditions. ClinVar contains an entry for this variant (Variation ID: 954577). Algorithms developed to predict the effect of missense changes on protein structure and function output the following: SIFT: "Tolerated"; PolyPhen-2: "Benign"; Align-GVGD: "Class C0". The leucine amino acid residue is found in multiple mammalian species, which suggests that this missense change does not adversely affect protein function. In summary, the available evidence is currently insufficient to determine the role of this variant in disease. Therefore, it has been classified as a Variant of Uncertain Significance.